The following is an entry in ClinVar:

NM_005142.3(CBLIF):c.778G>C (p.Gly260Arg)

Gene: CBLIF (cobalamin binding intrinsic factor; minus strand). Cytogenetic location: 11q12.1.
Variant type: single nucleotide variant.
Coding change: c.778G>C on transcript NM_005142.3 (MANE Select); coding-DNA position 778, G replaced by C.
Protein change: p.Gly260Arg; replaces glycine 260 with arginine.
Molecular consequence: missense variant.
Genome position (GRCh38, 1-based): chr11:59,837,267, C>G on the plus strand (G>C on the coding strand, the complement: CBLIF is on the minus strand). VCF-style: chr11-59837267-C-G. GRCh37 (hg19) VCF-style: chr11-59604740-C-G.
Other names: short protein forms G260R.
Identifiers: ClinVar variation 948439 (VCV000948439.1), dbSNP rs756139879, ClinGen allele CA380803362.

ClinVar aggregate classification (germline): Uncertain significance (1 of 4 stars; one submission).

Conditions:
Hereditary intrinsic factor deficiency (IFD). Also called: PERNICIOUS ANEMIA, CONGENITAL, DUE TO DEFECT OF INTRINSIC FACTOR; Congenital intrinsic factor deficiency. Identifiers: Orphanet 332, MedGen C2062370, MONDO:0009852, OMIM 261000.

Submission:

Labcorp Genetics (formerly Invitae), Labcorp
Classification: Uncertain significance for Intrinsic factor deficiency. Last evaluated: 2019-07-24. Review status: criteria provided, single submitter. Criteria: Invitae Variant Classification Sherloc (09022015). Collection method: clinical testing. Allele origin: germline.
Comment: This sequence change replaces glycine with arginine at codon 260 of the GIF protein (p.Gly260Arg). The glycine residue is highly conserved and there is a moderate physicochemical difference between glycine and arginine. This variant is not present in population databases (ExAC no frequency). This variant has not been reported in the literature in individuals with GIF-related conditions. Algorithms developed to predict the effect of missense changes on protein structure and function are either unavailable or do not agree on the potential impact of this missense change (SIFT: "Deleterious"; PolyPhen-2: "Probably Damaging"; Align-GVGD: "Class C15"). In summary, the available evidence is currently insufficient to determine the role of this variant in disease. Therefore, it has been classified as a Variant of Uncertain Significance.